The following is an entry in ClinVar:

ClinVar aggregate classification (germline): Likely benign. Review status: criteria provided, single submitter (1 of 4 stars). 2 submissions from 2 submitters: Likely benign (1). 1 of the submissions does not count toward it. Last evaluated 2026-01-26.

Conditions:
SLC46A1-related disorder. Also called: SLC46A1-related condition.

Allele frequency attached by ClinVar (database versions not stated): gnomAD exomes 0.00002 and 0.00004; ExAC 0.00003; gnomAD 0.00003 and 0.00004; TOPMed 0.00004.
gnomAD v4.1: 65 of 1,613,944 alleles (0.004%); highest among the groups gnomAD compares: Non-Finnish European, 0.0053%; no homozygotes.

Submissions (2):

Labcorp Genetics (formerly Invitae), Labcorp
Classification: Likely benign. Last evaluated: 2026-01-26. Review status: criteria provided, single submitter. Criteria: Invitae Variant Classification Sherloc (09022015). Collection method: clinical testing. Allele origin: germline.

PreventionGenetics, part of Exact Sciences
Classification: Likely benign for SLC46A1-related condition. Last evaluated: 2019-03-13. Review status: no assertion criteria provided. Collection method: clinical testing. Allele origin: germline. Not counted in ClinVar's aggregate classification.
Comment: This variant is classified as likely benign based on ACMG/AMP sequence variant interpretation guidelines (Richards et al. 2015 PMID: 25741868, with internal and published modifications).

NM_080669.6(SLC46A1):c.810C>T (p.Tyr270=)

Gene: SLC46A1 (solute carrier family 46 member 1; minus strand). Cytogenetic location: 17q11.2.
Variant type: single nucleotide variant.
Coding change: c.810C>T on transcript NM_080669.6 (MANE Select); coding-DNA position 810, C replaced by T.
Protein change: p.Tyr270=; no amino-acid change (tyrosine 270 retained).
Molecular consequence: synonymous variant.
Genome position (GRCh38, 1-based): chr17:28,404,887, G>A on the plus strand (C>T on the coding strand, the complement: SLC46A1 is on the minus strand). VCF-style: chr17-28404887-G-A. GRCh37 (hg19) VCF-style: chr17-26731905-G-A.
Other names: c.810C>T, p.Tyr270= (NM_001242366.3).
Identifiers: ClinVar variation 710827 (VCV000710827.8), dbSNP rs782790090, ClinGen allele CA8458273.